The following is an entry in ClinVar:

NM_006231.4(POLE):c.1504G>A (p.Glu502Lys)

Gene: POLE (DNA polymerase epsilon, catalytic subunit; minus strand). Cytogenetic location: 12q24.33.
Variant type: single nucleotide variant.
Coding change: c.1504G>A on transcript NM_006231.4 (MANE Select); coding-DNA position 1504, G replaced by A.
Protein change: p.Glu502Lys; replaces glutamic acid 502 with lysine.
Molecular consequence: missense variant.
Genome position (GRCh38, 1-based): chr12:132,672,809, C>T on the plus strand (G>A on the coding strand, the complement: POLE is on the minus strand). VCF-style: chr12-132672809-C-T. GRCh37 (hg19) VCF-style: chr12-133249395-C-T.
Other names: c.1504G>A (NM_006231.2); short protein forms E502K.
Identifiers: ClinVar variation 3765255 (VCV003765255.2).

ClinVar aggregate classification (germline): Uncertain significance. Review status: criteria provided, multiple submitters, no conflicts (2 of 4 stars). 2 submissions from 2 submitters: Uncertain significance (2). Last evaluated 2026-01-29.

Conditions:
Hereditary cancer-predisposing syndrome. Also called: Hereditary Cancer Syndrome; Neoplastic Syndromes, Hereditary; Tumor predisposition; Hereditary neoplastic syndrome. Identifiers: Orphanet 140162, MedGen C0027672, MeSH D009386, MONDO:0015356.

Submissions (2):

Ambry Genetics
Classification: Uncertain significance for Hereditary cancer-predisposing syndrome. Last evaluated: 2026-01-29. Review status: criteria provided, single submitter. Criteria: Ambry Variant Classification Scheme 2023. Collection method: clinical testing. Allele origin: germline.
Comment: The p.E502K variant (also known as c.1504G>A), located in coding exon 15 of the POLE gene, results from a G to A substitution at nucleotide position 1504. The glutamic acid at codon 502 is replaced by lysine, an amino acid with similar properties. This amino acid position is highly conserved in available vertebrate species. In addition, the in silico prediction for this alteration is inconclusive. Based on the available evidence, the clinical significance of this variant remains unclear.

Center for Genomic Medicine, Rigshospitalet, Copenhagen University Hospital
Classification: Uncertain significance. Last evaluated: 2025-03-04. Review status: criteria provided, single submitter. Criteria: ACMG Guidelines, 2015. Collection method: clinical testing. Allele origin: germline.